The following is an entry in ClinVar:

ClinVar aggregate classification (germline): Uncertain significance (1 of 4 stars; one submission).

Conditions:
Combined oxidative phosphorylation defect type 27. Also called: Combined oxidative phosphorylation deficiency 27. Identifiers: Orphanet 477774, MedGen C5567608, MONDO:0014728, OMIM 616672.

Submission:

Labcorp Genetics (formerly Invitae), Labcorp
Classification: Uncertain significance for Combined oxidative phosphorylation defect type 27. Last evaluated: 2025-06-29. Review status: criteria provided, single submitter. Criteria: Invitae Variant Classification Sherloc (09022015). Collection method: clinical testing. Allele origin: germline.
Comment: This sequence change replaces proline, which is neutral and non-polar, with arginine, which is basic and polar, at codon 64 of the CARS2 protein (p.Pro64Arg). This variant is not present in population databases (gnomAD no frequency). This variant has not been reported in the literature in individuals affected with CARS2-related conditions. Invitae Evidence Modeling of protein sequence and biophysical properties (such as structural, functional, and spatial information, amino acid conservation, physicochemical variation, residue mobility, and thermodynamic stability) indicates that this missense variant is not expected to disrupt CARS2 protein function with a negative predictive value of 80%. In summary, the available evidence is currently insufficient to determine the role of this variant in disease. Therefore, it has been classified as a Variant of Uncertain Significance.

NM_024537.4(CARS2):c.191C>G (p.Pro64Arg)

Gene: CARS2 (cysteinyl-tRNA synthetase 2, mitochondrial; minus strand). Cytogenetic location: 13q34.
Variant type: single nucleotide variant.
Coding change: c.191C>G on transcript NM_024537.4 (MANE Select); coding-DNA position 191, C replaced by G.
Protein change: p.Pro64Arg; replaces proline 64 with arginine.
Molecular consequence: missense variant. On other transcripts: non-coding transcript variant (1), intron variant (1).
Genome position (GRCh38, 1-based): chr13:110,705,903, G>C on the plus strand (C>G on the coding strand, the complement: CARS2 is on the minus strand). VCF-style: chr13-110705903-G-C. GRCh37 (hg19) VCF-style: chr13-111358250-G-C.
Other names: c.191C>G, p.Pro64Arg (NM_001352253.3); c.-775-332C>G (NM_001352252.2); short protein forms P64R.
Identifiers: ClinVar variation 4702031 (VCV004702031.1).